The following is an entry in ClinVar:

ClinVar aggregate classification (germline): Benign/Likely benign. Review status: criteria provided, multiple submitters, no conflicts (2 of 4 stars). 3 submissions from 3 submitters: Benign (1); Likely benign (2). Last evaluated 2025-11-05.

Conditions:
Hyperlipidemia due to hepatic triglyceride lipase deficiency. Also called: LIPC DEFICIENCY. Identifiers: Orphanet 140905, MedGen C3151466, MONDO:0013533, OMIM 614025.

Allele frequency attached by ClinVar (database versions not stated): gnomAD 0.00205 and 0.00210; TOPMed 0.00218; ESP Exome Variant Server 0.00247; 1000 Genomes Project 0.00319; 1000 Genomes Project 30x 0.00359.
gnomAD v4.1: 619 of 1,614,164 alleles (0.038%); highest among the groups gnomAD compares: African/African-American, 0.78%; 1 homozygote.

Submissions (3):

Labcorp Genetics (formerly Invitae), Labcorp
Classification: Benign. Last evaluated: 2025-11-05. Review status: criteria provided, single submitter. Criteria: Invitae Variant Classification Sherloc (09022015). Collection method: clinical testing. Allele origin: germline.

GeneDx
Classification: Likely benign. Last evaluated: 2020-10-14. Review status: criteria provided, single submitter. Criteria: GeneDx Variant Classification Process June 2021. Collection method: clinical testing. Allele origin: germline. Affected: yes.

Illumina Laboratory Services, Illumina
Classification: Likely benign for Hyperlipidemia due to hepatic triglyceride lipase deficiency. Last evaluated: 2018-01-12. Review status: criteria provided, single submitter. Criteria: ICSL Variant Classification Criteria 13 December 2019. Collection method: clinical testing. Allele origin: germline.
Comment: This variant was observed in the ICSL laboratory as part of a predisposition screen in an ostensibly healthy population. It had not been previously curated by ICSL or reported in the Human Gene Mutation Database (HGMD: prior to June 1st, 2018), and was therefore a candidate for classification through an automated scoring system. Utilizing variant allele frequency, disease prevalence and penetrance estimates, and inheritance mode, an automated score was calculated to assess if this variant is too frequent to cause the disease. Based on the score and internal cut-off values, a variant classified as likely benign is not then subjected to further curation. The score for this variant resulted in a classification of likely benign for this disease.

NM_000236.3(LIPC):c.1314A>G (p.Pro438=)

Gene: LIPC (lipase C, hepatic type; plus strand). Cytogenetic location: 15q21.3.
Variant type: single nucleotide variant.
Coding change: c.1314A>G on transcript NM_000236.3 (MANE Select); coding-DNA position 1314, A replaced by G.
Protein change: p.Pro438=; no amino-acid change (proline 438 retained).
Molecular consequence: synonymous variant.
Genome position (GRCh38, 1-based): chr15:58,563,649, A>G. VCF-style: chr15-58563649-A-G. GRCh37 (hg19) VCF-style: chr15-58855848-A-G.
Identifiers: ClinVar variation 885173 (VCV000885173.14), dbSNP rs75983069, ClinGen allele CA7585191.